The following is an entry in ClinVar:

NM_033026.6(PCLO):c.12166A>G (p.Thr4056Ala)

Gene: PCLO (piccolo presynaptic cytomatrix protein; minus strand). Cytogenetic location: 7q21.11.
Variant type: single nucleotide variant.
Coding change: c.12166A>G on transcript NM_033026.6 (MANE Select); coding-DNA position 12166, A replaced by G.
Protein change: p.Thr4056Ala; replaces threonine 4056 with alanine.
Molecular consequence: missense variant.
Genome position (GRCh38, 1-based): chr7:82,915,820, T>C on the plus strand (A>G on the coding strand, the complement: PCLO is on the minus strand). VCF-style: chr7-82915820-T-C. GRCh37 (hg19) VCF-style: chr7-82545136-T-C.
Other names: c.12166A>G, p.Thr4056Ala (NM_014510.3); short protein forms T4056A.
Identifiers: ClinVar variation 1912544 (VCV001912544.5), dbSNP rs1038457312, ClinGen allele CA161121492.
Genomic context (GRCh38, chr7:82,915,820, plus strand): 5'-TTTTTGACAGATCCTTTTCATGAAGGCTAAATGCGGTGCTTAATGCCGCTGTTCCTTTGG[T>C]GATCTCTCCAATGTCGTCAATTAGGACATAATTTCGTGGAGTATGGTGATCAATATCTGC-3'
Protein context (NP_149015.2, residues 4046-4066): YVLIDDIGEI[Thr4056Ala]KGTAALSTAF

ClinVar aggregate classification (germline): Uncertain significance (1 of 4 stars; one submission).

Allele frequency attached by ClinVar (database versions not stated): gnomAD 0.00001; gnomAD exomes 0.00001; TOPMed 0.00002.
gnomAD v4.1: 12 of 1,613,328 alleles (0.00074%); highest among the groups gnomAD compares: Middle Eastern, 0.016%; no homozygotes.

Submission:

Labcorp Genetics (formerly Invitae), Labcorp
Classification: Uncertain significance. Last evaluated: 2022-04-06. Review status: criteria provided, single submitter. Criteria: Invitae Variant Classification Sherloc (09022015). Collection method: clinical testing. Allele origin: germline.
Comment: Algorithms developed to predict the effect of missense changes on protein structure and function output the following: SIFT: "Deleterious"; PolyPhen-2: "Not Available"; Align-GVGD: "Class C0". The alanine amino acid residue is found in multiple mammalian species, which suggests that this missense change does not adversely affect protein function. This variant has not been reported in the literature in individuals affected with PCLO-related conditions. In summary, the available evidence is currently insufficient to determine the role of this variant in disease. Therefore, it has been classified as a Variant of Uncertain Significance. This variant is present in population databases (no rsID available, gnomAD 0.007%). This sequence change replaces threonine, which is neutral and polar, with alanine, which is neutral and non-polar, at codon 4056 of the PCLO protein (p.Thr4056Ala).